The following is an entry in ClinVar:

NM_021728.4(OTX2):c.497_503dup (p.Ser169fs)

Gene: OTX2 (orthodenticle homeobox 2; minus strand). Cytogenetic location: 14q22.3.
Variant type: Duplication.
Coding change: c.497_503dup on transcript NM_021728.4 (MANE Select); coding-DNA positions 497 to 503, 7 bases duplicated (CCCCACT; older notation c.497_503dupCCCCACT).
Protein change: p.Ser169fs; shifts the reading frame from serine 169.
Molecular consequence: frameshift variant. On other transcripts: non-coding transcript variant (2).
Genome position (GRCh38, 1-based): chr14:56,802,126-56,802,132, AGTGGGG duplicated on the plus strand (CCCCACT on the coding strand, the reverse complement: OTX2 is on the minus strand); duplicating any 7 consecutive bases within chr14:56,802,126-56,802,134 gives the same sequence; the c. name uses the placement nearest the transcript's 3' end. VCF-style (leftmost placement, unchanged base first): chr14-56802125-C-CAGTGGGG. GRCh37 (hg19) VCF-style: chr14-57268843-C-CAGTGGGG.
Other names: c.473_479dup, p.Ser161fs (NM_001270523.2, NM_001270524.2, NM_172337.3); c.497_503dup, p.Ser169fs (NM_001270525.2); short protein forms S161fs, S169fs.
Identifiers: ClinVar variation 2584532 (VCV002584532.1), dbSNP rs2503896787, ClinGen allele CA2582341754.

ClinVar aggregate classification (germline): Likely pathogenic (1 of 4 stars; one submission).

Conditions:
OTX2-related disorder. Also called: OTX2-related disorders; OTX2-related condition.

Submission:

Rady Children's Institute for Genomic Medicine, Rady Children's Hospital San Diego
Classification: Likely pathogenic for OTX2-related disorders. Review status: criteria provided, single submitter. Criteria: ACMG Guidelines, 2015. Collection method: clinical testing. Allele origin: germline. Affected: yes.
Comment: This frameshifting variant in exon 5 of 5 introduces a premature stop codon and is therefore predicted to result in loss of normal protein function through protein truncation. It is absent from the gnomAD population database and thus is presumed to be rare. Based on the available evidence, the c.497_503dup (p.Ser169ProfsTer28) variant is classified as Likely Pathogenic.